The following is an entry in ClinVar:

NM_000051.4(ATM):c.2534del (p.Asn845fs)

Gene: ATM (ATM serine/threonine kinase; plus strand). Cytogenetic location: 11q22.3.
Variant type: Deletion.
Coding change: c.2534del on transcript NM_000051.4 (MANE Select); coding-DNA position 2534, one base deleted (A; older notation c.2534delA).
Protein change: p.Asn845fs; shifts the reading frame from asparagine 845.
Molecular consequence: frameshift variant.
Genome position (GRCh38, 1-based): chr11:108,267,238, A deleted; the last of 3 consecutive A bases (chr11:108,267,236-108,267,238); deleting any one gives the same sequence. VCF-style (leftmost placement, unchanged base first): chr11-108267235-GA-G. GRCh37 (hg19) VCF-style: chr11-108137962-GA-G.
Other names: c.2534delA (NM_000051.3); c.2534del, p.Asn845fs (NM_001351834.2); short protein forms N845fs.
Identifiers: ClinVar variation 649761 (VCV000649761.8), dbSNP rs1591587673, ClinGen allele CA915948366.

ClinVar aggregate classification (germline): Pathogenic. Review status: criteria provided, multiple submitters, no conflicts (2 of 4 stars). 3 submissions from 3 submitters: Pathogenic (3). Last evaluated 2024-01-28.

Conditions:
Ataxia-telangiectasia syndrome (AT). Also called: ATAXIA-TELANGIECTASIA, FRESNO VARIANT; Ataxia-telangiectasia, complementation group E; Ataxia telangiectasia (A-T); Cerebello-oculocutaneous telangiectasia; Immunodeficiency with ataxia telangiectasia; LOUIS-BAR SYNDROME. Identifiers: Orphanet 100, MedGen C0004135, MONDO:0008840, OMIM 208900.
Familial cancer of breast. Also called: hereditary breast carcinoma; BREAST CANCER, FAMILIAL; Hereditary breast cancer. Identifiers: Orphanet 227535, MedGen C0346153, MONDO:0016419, OMIM 114480. Disease mechanism: loss of function.
Hereditary cancer-predisposing syndrome. Also called: Hereditary Cancer Syndrome; Tumor predisposition; Neoplastic Syndromes, Hereditary; Hereditary neoplastic syndrome. Identifiers: Orphanet 140162, MedGen C0027672, MeSH D009386, MONDO:0015356.

Submissions (3):

Labcorp Genetics (formerly Invitae), Labcorp
Classification: Pathogenic for Ataxia-telangiectasia syndrome. Last evaluated: 2024-01-28. Review status: criteria provided, single submitter. Criteria: Invitae Variant Classification Sherloc (09022015). Collection method: clinical testing. Allele origin: germline.
Comment: This sequence change creates a premature translational stop signal (p.Asn845Ilefs*2) in the ATM gene. It is expected to result in an absent or disrupted protein product. Loss-of-function variants in ATM are known to be pathogenic (PMID: 23807571, 25614872). This variant is not present in population databases (gnomAD no frequency). This variant has not been reported in the literature in individuals affected with ATM-related conditions. ClinVar contains an entry for this variant (Variation ID: 649761). For these reasons, this variant has been classified as Pathogenic.

Myriad Genetics, Inc.
Classification: Pathogenic for Familial cancer of breast. Last evaluated: 2024-01-18. Review status: criteria provided, single submitter. Criteria: Myriad Autosomal Dominant, Autosomal Recessive and X-Linked Classification Criteria (2023). Collection method: clinical testing. Allele origin: unknown.
Comment: This variant is considered pathogenic. This variant creates a frameshift predicted to result in premature protein truncation.

Ambry Genetics
Classification: Pathogenic for Hereditary cancer-predisposing syndrome. Last evaluated: 2023-07-28. Review status: criteria provided, single submitter. Criteria: Ambry Variant Classification Scheme 2023. Collection method: clinical testing. Allele origin: germline.
Comment: The c.2534delA pathogenic mutation, located in coding exon 16 of the ATM gene, results from a deletion of one nucleotide at nucleotide position 2534, causing a translational frameshift with a predicted alternate stop codon (p.N845Ifs*2). This variant is considered to be rare based on population cohorts in the Genome Aggregation Database (gnomAD). This alteration is expected to result in loss of function by premature protein truncation or nonsense-mediated mRNA decay. As such, this alteration is interpreted as a disease-causing mutation.

Literature cited by the submitters: PubMed 23807571 (cited by Labcorp Genetics (formerly Invitae), Labcorp); PubMed 25614872 (cited by Labcorp Genetics (formerly Invitae), Labcorp).